The following is an entry in ClinVar:

NM_001376.5(DYNC1H1):c.4435A>C (p.Asn1479His)

Gene: DYNC1H1 (dynein cytoplasmic 1 heavy chain 1; plus strand). Cytogenetic location: 14q32.31.
Variant type: single nucleotide variant.
Coding change: c.4435A>C on transcript NM_001376.5 (MANE Select); coding-DNA position 4435, A replaced by C.
Protein change: p.Asn1479His; replaces asparagine 1479 with histidine.
Molecular consequence: missense variant.
Genome position (GRCh38, 1-based): chr14:102,001,574, A>C. VCF-style: chr14-102001574-A-C. GRCh37 (hg19) VCF-style: chr14-102467911-A-C.
Other names: short protein forms N1479H.
Identifiers: ClinVar variation 2875275 (VCV002875275.3), dbSNP rs2503731266, ClinGen allele CA391042428.

ClinVar aggregate classification (germline): Uncertain significance (1 of 4 stars; one submission).

Conditions:
Charcot-Marie-Tooth disease axonal type 2O. Also called: CHARCOT-MARIE-TOOTH NEUROPATHY, AXONAL, TYPE 2O; CHARCOT-MARIE-TOOTH DISEASE, AXONAL, AUTOSOMAL DOMINANT, TYPE 2O; Charcot-Marie-Tooth Neuropathy Type 2O; Charcot-Marie-Tooth disease, axonal, type 20. Identifiers: Orphanet 284232, MedGen C3280220, MONDO:0013644, OMIM 614228.

Submission:

Labcorp Genetics (formerly Invitae), Labcorp
Classification: Uncertain significance for Charcot-Marie-Tooth disease axonal type 2O. Last evaluated: 2023-10-10. Review status: criteria provided, single submitter. Criteria: Invitae Variant Classification Sherloc (09022015). Collection method: clinical testing. Allele origin: germline.
Comment: This sequence change replaces asparagine, which is neutral and polar, with histidine, which is basic and polar, at codon 1479 of the DYNC1H1 protein (p.Asn1479His). This variant is not present in population databases (gnomAD no frequency). This variant has not been reported in the literature in individuals affected with DYNC1H1-related conditions. Advanced modeling of protein sequence and biophysical properties (such as structural, functional, and spatial information, amino acid conservation, physicochemical variation, residue mobility, and thermodynamic stability) performed at Invitae indicates that this missense variant is expected to disrupt DYNC1H1 protein function. In summary, the available evidence is currently insufficient to determine the role of this variant in disease. Therefore, it has been classified as a Variant of Uncertain Significance.